The following is an entry in ClinVar:

NM_000441.2(SLC26A4):c.948A>C (p.Gly316=)

Gene: SLC26A4 (solute carrier family 26 member 4; plus strand). Cytogenetic location: 7q22.3.
Variant type: single nucleotide variant.
Coding change: c.948A>C on transcript NM_000441.2 (MANE Select); coding-DNA position 948, A replaced by C.
Protein change: p.Gly316=; no amino-acid change (glycine 316 retained).
Molecular consequence: synonymous variant.
Genome position (GRCh38, 1-based): chr7:107,683,484, A>C. VCF-style: chr7-107683484-A-C. GRCh37 (hg19) VCF-style: chr7-107323929-A-C.
Identifiers: ClinVar variation 227953 (VCV000227953.13), dbSNP rs876657583, ClinGen allele CA10576712.

ClinVar aggregate classification (germline): Likely benign. Review status: criteria provided, multiple submitters, no conflicts (2 of 4 stars). 2 submissions from 2 submitters: Likely benign (2). Last evaluated 2022-12-07.

Allele frequency attached by ClinVar (database versions not stated): gnomAD 0.00001; TOPMed 0.00002.
gnomAD v4.1: 1 of 1,613,850 alleles (0.000062%); highest among the groups gnomAD compares: African/African-American, 0.0013%; no homozygotes.

Submissions (2):

Labcorp Genetics (formerly Invitae), Labcorp
Classification: Likely benign. Last evaluated: 2022-12-07. Review status: criteria provided, single submitter. Criteria: Invitae Variant Classification Sherloc (09022015). Collection method: clinical testing. Allele origin: germline.

Laboratory for Molecular Medicine, Mass General Brigham Personalized Medicine
Classification: Likely benign. Last evaluated: 2016-02-09. Review status: criteria provided, single submitter. Criteria: LMM Criteria. Collection method: clinical testing. Allele origin: germline. Observed: 1 variant allele.
Comment: p.Gly316Gly in exon 8 of SLC26A4: This variant is not expected to have clinical significance because it does not alter an amino acid residue and is not located within the splice consensus sequence.